The following is an entry in ClinVar:

ClinVar aggregate classification (germline): Benign (1 of 4 stars; one submission).

Conditions:
Stuve-Wiedemann syndrome (STWS). Also called: Stüve-Wiedemann syndrome. Identifiers: Orphanet 3206, MedGen C0796176, MONDO:0031280.

Allele frequency attached by ClinVar (database versions not stated): 1000 Genomes Project 0.05272; gnomAD 0.00851 and 0.01162; TOPMed 0.01248; gnomAD exomes 0.03906; 1000 Genomes Project 30x 0.04825.
gnomAD v4.1: 4,271 of 220,512 alleles (1.9%); highest among the groups gnomAD compares: East Asian, 24%; 474 homozygotes.

Submission:

Illumina Laboratory Services, Illumina
Classification: Benign for Stüve-Wiedemann syndrome 1. Last evaluated: 2018-01-13. Review status: criteria provided, single submitter. Criteria: ICSL Variant Classification Criteria 13 December 2019. Collection method: clinical testing. Allele origin: germline.
Comment: This variant was observed in the ICSL laboratory as part of a predisposition screen in an ostensibly healthy population. It had not been previously curated by ICSL or reported in the Human Gene Mutation Database (HGMD: prior to June 1st, 2018), and was therefore a candidate for classification through an automated scoring system. Utilizing variant allele frequency, disease prevalence and penetrance estimates, and inheritance mode, an automated score was calculated to assess if this variant is too frequent to cause the disease. Based on the score and internal cut-off values, a variant classified as benign is not then subjected to further curation. The score for this variant resulted in a classification of benign for this disease.

NM_001127671.2(LIFR):c.*1005A>G

Gene: LIFR (LIF receptor subunit alpha; minus strand). Cytogenetic location: 5p13.1.
Variant type: single nucleotide variant.
Coding change: c.*1005A>G on transcript NM_001127671.2 (MANE Select); 1005 bases downstream of the stop codon, A replaced by G.
Molecular consequence: 3 prime UTR variant.
Genome position (GRCh38, 1-based): chr5:38,480,590, T>C on the plus strand (A>G on the coding strand, the complement: LIFR is on the minus strand). VCF-style: chr5-38480590-T-C. GRCh37 (hg19) VCF-style: chr5-38480692-T-C.
Other names: c.*1005A>G (NM_001364297.2, NM_001364298.2, NM_002310.6).
Identifiers: ClinVar variation 353591 (VCV000353591.5), dbSNP rs3776424, ClinGen allele CA10620427.